The following is an entry in ClinVar:

NM_000316.3(PTH1R):c.449G>A (p.Arg150His)

Gene: PTH1R (parathyroid hormone 1 receptor; plus strand). Cytogenetic location: 3p21.31.
Variant type: single nucleotide variant.
Coding change: c.449G>A on transcript NM_000316.3 (MANE Select); coding-DNA position 449, G replaced by A.
Protein change: p.Arg150His; replaces arginine 150 with histidine.
Molecular consequence: missense variant.
Genome position (GRCh38, 1-based): chr3:46,898,098, G>A. VCF-style: chr3-46898098-G-A. GRCh37 (hg19) VCF-style: chr3-46939588-G-A.
Other names: c.449G>A, p.Arg150His (NM_001184744.1); short protein forms R150H.
Identifiers: ClinVar variation 899444 (VCV000899444.5), dbSNP rs73067029, ClinGen allele CA2359187.
Genomic context (GRCh38, chr3:46,898,098, plus strand): 5'-CCTCCCTGCCGGCCCTGACCTCCCATGGACCTGCAGGCCATGCCTACCGACGCTGTGACC[G>A]CAATGGCAGCTGGGAGCTGGTGCCTGGGCACAACAGGACGTGGGCCAACTACAGCGAGTG-3'
Protein context (NP_000307.1, residues 140-160): HKGHAYRRCD[Arg150His]NGSWELVPGH

ClinVar aggregate classification (germline): Conflicting classifications of pathogenicity. Review status: criteria provided, conflicting classifications (1 of 4 stars). 3 submissions from 2 submitters: Uncertain significance (2); Likely benign (1). Last evaluated 2024-03-04.

Conditions:
Primary failure of tooth eruption. Also called: DENTAL NONERUPTION; PRIMARY RETENTION OF TEETH; UNERUPTED SECOND PRIMARY MOLAR; POSTERIOR OPENBITE MALOCCLUSION, FAMILIAL. Identifiers: Orphanet 412206, MedGen C1852222, MONDO:0007434, OMIM 125350.
Metaphyseal chondrodysplasia, Jansen type. Also called: Metaphyseal chondrodysplasia Murk Jansen type; PTH1R-Related Jansen Metaphyseal Chondrodysplasia. Identifiers: Orphanet 33067, MedGen C0265295, MONDO:0007982, OMIM 156400.
Chondrodysplasia Blomstrand type (BOCD). Identifiers: Orphanet 50945, MedGen C1859148, MONDO:0008970, OMIM 215045.
Eiken syndrome (EKNS). Also called: BONE MODELING DEFECT OF HANDS AND FEET. Identifiers: Orphanet 79106, MedGen C1838779, MONDO:0010803, OMIM 600002.

Allele frequency attached by ClinVar (database versions not stated): TOPMed 0.00002; 1000 Genomes Project 0.00020; 1000 Genomes Project 30x 0.00031.
gnomAD v4.1: 43 of 1,614,210 alleles (0.0027%); highest among the groups gnomAD compares: African/African-American, 0.004%; no homozygotes.

Submissions (3):

Fulgent Genetics
Classification: Uncertain significance for Primary failure of tooth eruption; Metaphyseal chondrodysplasia, Jansen type; Chondrodysplasia Blomstrand type; Eiken syndrome. Last evaluated: 2024-03-04. Review status: criteria provided, single submitter. Criteria: ACMG Guidelines, 2015. Collection method: clinical testing. Allele origin: germline.

Illumina Laboratory Services, Illumina
Classification: Likely benign for Metaphyseal chondrodysplasia, Jansen type. Last evaluated: 2018-01-12. Review status: criteria provided, single submitter. Criteria: ICSL Variant Classification Criteria 13 December 2019. Collection method: clinical testing. Allele origin: germline.
Comment: This variant was observed in the ICSL laboratory as part of a predisposition screen in an ostensibly healthy population. It had not been previously curated by ICSL or reported in the Human Gene Mutation Database (HGMD: prior to June 1st, 2018), and was therefore a candidate for classification through an automated scoring system. Utilizing variant allele frequency, disease prevalence and penetrance estimates, and inheritance mode, an automated score was calculated to assess if this variant is too frequent to cause the disease. Based on the score and internal cut-off values, a variant classified as likely benign is not then subjected to further curation. The score for this variant resulted in a classification of likely benign for this disease.

Illumina Laboratory Services, Illumina
Classification: Uncertain significance for Chondrodysplasia Blomstrand type. Last evaluated: 2018-01-12. Review status: criteria provided, single submitter. Criteria: ICSL Variant Classification Criteria 13 December 2019. Collection method: clinical testing. Allele origin: germline.